The following is an entry in ClinVar:

NM_006343.3(MERTK):c.1316T>C (p.Val439Ala)

Gene: MERTK (MER proto-oncogene, tyrosine kinase; plus strand). Cytogenetic location: 2q13.
Variant type: single nucleotide variant.
Coding change: c.1316T>C on transcript NM_006343.3 (MANE Select); coding-DNA position 1316, T replaced by C.
Protein change: p.Val439Ala; replaces valine 439 with alanine.
Molecular consequence: missense variant.
Genome position (GRCh38, 1-based): chr2:111,994,270, T>C. VCF-style: chr2-111994270-T-C. GRCh37 (hg19) VCF-style: chr2-112751847-T-C.
Other names: short protein forms V439A.
Identifiers: ClinVar variation 966119 (VCV000966119.9), dbSNP rs767073529, ClinGen allele CA1831355.

ClinVar aggregate classification (germline): Uncertain significance (1 of 4 stars; one submission).

Allele frequency attached by ClinVar (database versions not stated): gnomAD exomes below 0.00001; TOPMed below 0.00001; ExAC 0.00001.

Submission:

Labcorp Genetics (formerly Invitae), Labcorp
Classification: Uncertain significance. Last evaluated: 2022-01-06. Review status: criteria provided, single submitter. Criteria: Invitae Variant Classification Sherloc (09022015). Collection method: clinical testing. Allele origin: germline.
Comment: This sequence change replaces valine, which is neutral and non-polar, with alanine, which is neutral and non-polar, at codon 439 of the MERTK protein (p.Val439Ala). This variant is present in population databases (rs767073529, gnomAD 0.006%). This variant has not been reported in the literature in individuals affected with MERTK-related conditions. ClinVar contains an entry for this variant (Variation ID: 966119). Algorithms developed to predict the effect of missense changes on protein structure and function are either unavailable or do not agree on the potential impact of this missense change (SIFT: "Deleterious"; PolyPhen-2: "Benign"; Align-GVGD: "Class C55"). In summary, the available evidence is currently insufficient to determine the role of this variant in disease. Therefore, it has been classified as a Variant of Uncertain Significance.